The following is an entry in ClinVar:

ClinVar aggregate classification (germline): Uncertain significance (1 of 4 stars; one submission).

Submission:

GeneDx
Classification: Uncertain significance. Last evaluated: 2026-04-22. Review status: criteria provided, single submitter. Criteria: GeneDx Variant Classification Process June 2021. Collection method: clinical testing. Allele origin: germline.
Comment: Not observed at significant frequency in large population cohorts (gnomAD); In silico analysis supports that this missense variant has a deleterious effect on protein structure/function; Has not been previously published as pathogenic or benign to our knowledge

NM_001457.4(FLNB):c.713C>G (p.Pro238Arg)

Gene: FLNB (filamin B; plus strand). Cytogenetic location: 3p14.3.
Variant type: single nucleotide variant.
Coding change: c.713C>G on transcript NM_001457.4 (MANE Select); coding-DNA position 713, C replaced by G.
Protein change: p.Pro238Arg; replaces proline 238 with arginine.
Molecular consequence: missense variant.
Genome position (GRCh38, 1-based): chr3:58,081,702, C>G. VCF-style: chr3-58081702-C-G. GRCh37 (hg19) VCF-style: chr3-58067429-C-G.
Other names: c.713C>G, p.Pro238Arg (NM_001164317.2, NM_001164318.2, NM_001164319.2); short protein forms P238R.
Identifiers: ClinVar variation 3900238 (VCV003900238.2).